The following is an entry in ClinVar:

NM_031935.3(HMCN1):c.12617A>G (p.Asn4206Ser)

Gene: HMCN1 (hemicentin 1; plus strand). Cytogenetic location: 1q31.1.
Variant type: single nucleotide variant.
Coding change: c.12617A>G on transcript NM_031935.3 (MANE Select); coding-DNA position 12617, A replaced by G.
Protein change: p.Asn4206Ser; replaces asparagine 4206 with serine.
Molecular consequence: missense variant.
Genome position (GRCh38, 1-based): chr1:186,125,721, A>G. VCF-style: chr1-186125721-A-G. GRCh37 (hg19) VCF-style: chr1-186094853-A-G.
Other names: short protein forms N4206S.
Identifiers: ClinVar variation 1917304 (VCV001917304.5), dbSNP rs143242740, ClinGen allele CA1294409.
Genomic context (GRCh38, chr1:186,125,721, plus strand): 5'-CCATTCTTCCATGCGTAGCTGATGGAATCCCCACACCAGCAATTAACTGGAAAAAAGACA[A>G]TGTTCTTTTAGCTAACTTGTTAGGAAAATACACTGCTGAACCATATGGAGAACTCATTTT-3'
Protein context (NP_114141.2, residues 4196-4216): PTPAINWKKD[Asn4206Ser]VLLANLLGKY

ClinVar aggregate classification (germline): Uncertain significance (1 of 4 stars; one submission).

Allele frequency attached by ClinVar (database versions not stated): ExAC 0.00001; gnomAD exomes 0.00001; gnomAD 0.00003; TOPMed 0.00003; ESP Exome Variant Server 0.00008.
gnomAD v4.1: 11 of 1,613,262 alleles (0.00068%); highest among the groups gnomAD compares: African/African-American, 0.008%; no homozygotes.

Submission:

Labcorp Genetics (formerly Invitae), Labcorp
Classification: Uncertain significance. Last evaluated: 2024-04-25. Review status: criteria provided, single submitter. Criteria: Invitae Variant Classification Sherloc (09022015). Collection method: clinical testing. Allele origin: germline.
Comment: This sequence change replaces asparagine, which is neutral and polar, with serine, which is neutral and polar, at codon 4206 of the HMCN1 protein (p.Asn4206Ser). This variant is present in population databases (rs143242740, gnomAD 0.008%). This missense change has been observed in individual(s) with retinitis pigmentosa (Invitae). ClinVar contains an entry for this variant (Variation ID: 1917304). Algorithms developed to predict the effect of missense changes on protein structure and function output the following: SIFT: "Not Available"; PolyPhen-2: "Probably Damaging"; Align-GVGD: "Not Available". The serine amino acid residue is found in multiple mammalian species, which suggests that this missense change does not adversely affect protein function. In summary, the available evidence is currently insufficient to determine the role of this variant in disease. Therefore, it has been classified as a Variant of Uncertain Significance.